The following is an entry in ClinVar:

NM_153700.2(STRC):c.2618T>C (p.Leu873Pro)

Gene: STRC (stereocilin; minus strand). Cytogenetic location: 15q15.3.
Variant type: single nucleotide variant.
Coding change: c.2618T>C on transcript NM_153700.2 (MANE Select); coding-DNA position 2618, T replaced by C.
Protein change: p.Leu873Pro; replaces leucine 873 with proline.
Molecular consequence: missense variant.
Genome position (GRCh38, 1-based): chr15:43,613,094, A>G on the plus strand (T>C on the coding strand, the complement: STRC is on the minus strand). VCF-style: chr15-43613094-A-G. GRCh37 (hg19) VCF-style: chr15-43905292-A-G.
Other names: short protein forms L873P.
Identifiers: ClinVar variation 4999938 (VCV004999938.1).
Genomic context (GRCh38, chr15:43,613,094, plus strand): 5'-GATTCTCATACCTGGTGAGGGCTGAGCTGCAAAAAGTTCTCCAGAGGGAGGTGGGGGAGC[A>G]GGGGCAGCACTGCCCACAGCAGCTCCTGGGGCCAGGCAGGCACTTCCCCAAACAGTTCAG-3'
Protein context (NP_714544.1, residues 863-883): PQELLWAVLP[Leu873Pro]LPHLPLENFL

ClinVar aggregate classification (germline): Uncertain significance (1 of 4 stars; one submission).

Conditions:
STRC-related disorder. Also called: STRC-related condition.

Submission:

PreventionGenetics, part of Exact Sciences
Classification: Uncertain significance for STRC-related condition. Last evaluated: 2024-11-12. Review status: criteria provided, single submitter. Criteria: ACMG Guidelines, 2015. Collection method: clinical testing. Allele origin: germline.
Comment: The STRC c.2618T>C variant is predicted to result in the amino acid substitution p.Leu873Pro. To our knowledge, this variant has not been reported in the literature or in a large population database (gnomAD), indicating this variant is rare. At this time, the clinical significance of this variant is uncertain due to the absence of conclusive functional and genetic evidence.